The following is an entry in ClinVar:

ClinVar aggregate classification (germline): Uncertain significance (1 of 4 stars; one submission).

Allele frequency attached by ClinVar (database versions not stated): gnomAD 0.00001; TOPMed 0.00001.
gnomAD v4.1: 5 of 1,611,082 alleles (0.00031%); highest among the groups gnomAD compares: Admixed American, 0.0017%; no homozygotes.

Submission:

Labcorp Genetics (formerly Invitae), Labcorp
Classification: Uncertain significance. Last evaluated: 2022-12-25. Review status: criteria provided, single submitter. Criteria: Invitae Variant Classification Sherloc (09022015). Collection method: clinical testing. Allele origin: germline.
Comment: In summary, the available evidence is currently insufficient to determine the role of this variant in disease. Therefore, it has been classified as a Variant of Uncertain Significance. Algorithms developed to predict the effect of missense changes on protein structure and function are either unavailable or do not agree on the potential impact of this missense change (SIFT: "Deleterious"; PolyPhen-2: "Benign"; Align-GVGD: "Class C0"). This variant has not been reported in the literature in individuals affected with ERBB4-related conditions. The frequency data for this variant in the population databases is considered unreliable, as metrics indicate poor data quality at this position in the gnomAD database. This sequence change replaces isoleucine, which is neutral and non-polar, with threonine, which is neutral and polar, at codon 1041 of the ERBB4 protein (p.Ile1041Thr).

NM_005235.3(ERBB4):c.3122T>C (p.Ile1041Thr)

Gene: ERBB4 (erb-b2 receptor tyrosine kinase 4; minus strand). Cytogenetic location: 2q34.
Variant type: single nucleotide variant.
Coding change: c.3122T>C on transcript NM_005235.3 (MANE Select); coding-DNA position 3122, T replaced by C.
Protein change: p.Ile1041Thr; replaces isoleucine 1041 with threonine.
Molecular consequence: missense variant.
Genome position (GRCh38, 1-based): chr2:211,420,454, A>G on the plus strand (T>C on the coding strand, the complement: ERBB4 is on the minus strand). VCF-style: chr2-211420454-A-G. GRCh37 (hg19) VCF-style: chr2-212285179-A-G.
Other names: c.3122T>C, p.Ile1041Thr (NM_001042599.2); short protein forms I1041T.
Identifiers: ClinVar variation 2975007 (VCV002975007.3), dbSNP rs1280873952, ClinGen allele CA350777895.